The following is an entry in ClinVar:

ClinVar aggregate classification (germline): Conflicting classifications of pathogenicity. Review status: criteria provided, conflicting classifications (1 of 4 stars). 9 submissions from 9 submitters: Uncertain significance (5); Likely benign (4). Last evaluated 2025-12-19.

Conditions:
Exudative vitreoretinopathy 4 (EVR4). Identifiers: Orphanet 891, MedGen C1866176, MONDO:0011151, OMIM 601813.
Bone mineral density quantitative trait locus 1 (BMND1). Identifiers: MedGen C1866079, OMIM 601884.
Polycystic liver disease 4 with or without kidney cysts. Identifiers: MedGen C4693479, MONDO:0044327, OMIM 617875.
Osteoporosis with pseudoglioma (OPPG). Also called: osteoporosis-pseudoglioma syndrome. Identifiers: Orphanet 2788, MedGen C0432252, MONDO:0009820, OMIM 259770.
Worth disease. Also called: Autosomal dominant osteosclerosis, Worth type; ENDOSTEAL HYPEROSTOSIS, AUTOSOMAL DOMINANT; OSTEOSCLEROSIS, AUTOSOMAL DOMINANT. Identifiers: Orphanet 2790, MedGen C0432273, MONDO:0007764, OMIM 144750.
Autosomal dominant osteopetrosis 1 (OPTA1). Also called: OSTEOPETROSIS, AUTOSOMAL DOMINANT, TYPE I. Identifiers: Orphanet 2783, MedGen C1843330, MONDO:0011877, OMIM 607634.
LRP5-related disorder. Also called: LRP5-related condition.
Inborn genetic diseases. Identifiers: MedGen C0950123, MeSH D030342.
Osteogenesis imperfecta (OI). Identifiers: Orphanet 666, MedGen C0029434, MeSH D010013, MONDO:0019019.

Allele frequency attached by ClinVar (database versions not stated): gnomAD exomes 0.00019 and 0.00064; gnomAD 0.00021 and 0.00040; TOPMed 0.00038; ExAC 0.00067; 1000 Genomes Project 30x 0.00297; 1000 Genomes Project 0.00300.
gnomAD v4.1: 355 of 1,612,698 alleles (0.022%); highest among the groups gnomAD compares: East Asian, 0.63%; no homozygotes.

Submissions (9):

Labcorp Genetics (formerly Invitae), Labcorp
Classification: Likely benign. Last evaluated: 2025-12-19. Review status: criteria provided, single submitter. Criteria: Invitae Variant Classification Sherloc (09022015). Collection method: clinical testing. Allele origin: germline.

Ambry Genetics
Classification: Uncertain significance for Inborn genetic diseases. Last evaluated: 2025-04-18. Review status: criteria provided, single submitter. Criteria: Ambry Variant Classification Scheme 2023. Collection method: clinical testing. Allele origin: germline.

PreventionGenetics, part of Exact Sciences
Classification: Likely benign for LRP5-related condition. Last evaluated: 2025-01-22. Review status: criteria provided, single submitter. Criteria: ACMG Guidelines, 2015. Collection method: clinical testing. Allele origin: germline.
Comment: This variant is classified as likely benign based on ACMG/AMP sequence variant interpretation guidelines (Richards et al. 2015 PMID: 25741868, with internal and published modifications).

Blueprint Genetics
Classification: Likely benign. Last evaluated: 2024-08-13. Review status: criteria provided, single submitter. Criteria: ACMG Guidelines, 2015. Collection method: clinical testing. Allele origin: germline.

Fulgent Genetics
Classification: Uncertain significance for Worth disease; Osteoporosis with pseudoglioma; Exudative vitreoretinopathy 4; Bone mineral density quantitative trait locus 1; Autosomal dominant osteopetrosis 1; Polycystic liver disease 4 with or without kidney cysts. Last evaluated: 2024-02-29. Review status: criteria provided, single submitter. Criteria: ACMG Guidelines, 2015. Collection method: clinical testing. Allele origin: germline.

GeneDx
Classification: Likely benign. Last evaluated: 2020-06-09. Review status: criteria provided, single submitter. Criteria: GeneDx Variant Classification Process June 2021. Collection method: clinical testing. Allele origin: germline. Affected: yes.
Comment: Reported previously in individuals with familial exudative vitreoretinopathy, but some individuals were reported to have causative variants in other genes and the variant was inherited from an unaffected parent in multiple families (Qin et al., 2005; Yang et al., 2012; Seo et al., 2015; Tang et al., 2017; Li et al., 2018); In silico analysis supports that this missense variant does not alter protein structure/function; This variant is associated with the following publications: (PMID: 26244290, 29181528, 28251098, 23077402, 15981244, 30452590, 31169861, 30097784)

Genome Diagnostics Laboratory, The Hospital for Sick Children
Classification: Uncertain significance for Osteogenesis imperfecta. Last evaluated: 2020-03-16. Review status: criteria provided, single submitter. Criteria: ACMG Guidelines, 2015. Collection method: clinical testing. Allele origin: germline.

SIB Swiss Institute of Bioinformatics
Classification: Uncertain significance for Exudative vitreoretinopathy 4. Last evaluated: 2018-05-31. Review status: criteria provided, single submitter. Criteria: ACMG Guidelines, 2015. Collection method: curation. Allele origin: unknown.
Comment: This variant is interpreted as a Uncertain Significance - Insufficient Evidence, for Exudative vitreoretinopathy 4, in Autosomal Dominant manner. The following ACMG Tag(s) were applied: BS1-Supporting => BS1 downgraded in strength to supporting.

Soonchunhyang University Bucheon Hospital, Soonchunhyang University Medical Center
Classification: Uncertain significance for Exudative vitreoretinopathy 4. Last evaluated: 2016-03-18. Review status: criteria provided, single submitter. Criteria: ACMG Guidelines, 2015. Collection method: reference population. Allele origin: germline. Observed: 1 variant allele.

Literature cited by the submitters: PubMed 15981244 (cited by Ambry Genetics and Soonchunhyang University Bucheon Hospital, Soonchunhyang University Medical Center); PubMed 23077402 (cited by Ambry Genetics); PubMed 26244290 (cited by Ambry Genetics); PubMed 28251098 (cited by Ambry Genetics); PubMed 30097784 (cited by Ambry Genetics); PubMed 30452590 (cited by Ambry Genetics); PubMed 31169861 (cited by Ambry Genetics); PubMed 33781268 (cited by Ambry Genetics); PubMed 34860240 (cited by Ambry Genetics); PubMed 35754005 (cited by Ambry Genetics); PubMed 36018796 (cited by Ambry Genetics); PubMed 38881609 (cited by Ambry Genetics).

NM_002335.4(LRP5):c.3361A>G (p.Asn1121Asp)

Gene: LRP5 (LDL receptor related protein 5; plus strand). Cytogenetic location: 11q13.2.
Variant type: single nucleotide variant.
Coding change: c.3361A>G on transcript NM_002335.4 (MANE Select); coding-DNA position 3361, A replaced by G.
Protein change: p.Asn1121Asp; replaces asparagine 1121 with aspartic acid.
Molecular consequence: missense variant.
Genome position (GRCh38, 1-based): chr11:68,425,226, A>G. VCF-style: chr11-68425226-A-G. GRCh37 (hg19) VCF-style: chr11-68192694-A-G.
Other names: NM_001291902.1(LRP5):c.1618A>G(p.Asn540Asp); NM_002335.3(LRP5):c.3361A>G(p.Asn1121Asp); c.1618A>G, p.Asn540Asp (NM_001291902.2); short protein forms N1121D, N540D.
Identifiers: ClinVar variation 225407 (VCV000225407.22), dbSNP rs80358317, ClinGen allele CA6149957.